The following is an entry in ClinVar:

NM_024996.7(GFM1):c.1601+1G>A

Gene: GFM1 (G elongation factor mitochondrial 1; plus strand). Cytogenetic location: 3q25.32.
Variant type: single nucleotide variant.
Coding change: c.1601+1G>A on transcript NM_024996.7 (MANE Select); the canonical splice donor site of the intron after coding-DNA position 1601, G replaced by A.
Molecular consequence: splice donor variant.
Genome position (GRCh38, 1-based): chr3:158,666,387, G>A. VCF-style: chr3-158666387-G-A. GRCh37 (hg19) VCF-style: chr3-158384176-G-A.
Other names: c.1658+1G>A (NM_001308164.2); c.1376+1G>A (NM_001374357.1); c.1520+1G>A (NM_001374355.1); c.1484+1G>A (NM_001374356.1); c.1034+1G>A (NM_001374359.1, NM_001374360.1); c.917+1G>A (NM_001374361.1); c.1142+1G>A (NM_001374358.1); c.1601+1G>A (NM_001308166.2).
Identifiers: ClinVar variation 940515 (VCV000940515.11), dbSNP rs748116978, ClinGen allele CA2682708.
Genomic context (GRCh38, chr3:158,666,387, plus strand): 5'-TCCTTGTATCACAGGAAAGCCAAAAGTTGCCTTTCGAGAGACCATTACTGCCCCTGTCCC[G>A]TAAGTATGCAACGTAATTAAACATTATGAGGCTGAAATTGAAGCTTTTTATTTTGGATAT-3'

ClinVar aggregate classification (germline): Likely pathogenic (1 of 4 stars; one submission).

Allele frequency attached by ClinVar (database versions not stated): gnomAD exomes below 0.00001; TOPMed below 0.00001; ExAC 0.00001.
gnomAD v4.1: 12 of 1,611,166 alleles (0.00074%); highest among the groups gnomAD compares: Non-Finnish European, 0.00093%; no homozygotes.

Submission:

Labcorp Genetics (formerly Invitae), Labcorp
Classification: Likely pathogenic. Last evaluated: 2023-12-09. Review status: criteria provided, single submitter. Criteria: Invitae Variant Classification Sherloc (09022015). Collection method: clinical testing. Allele origin: germline.
Comment: This sequence change affects a donor splice site in intron 13 of the GFM1 gene. It is expected to disrupt RNA splicing. Variants that disrupt the donor or acceptor splice site typically lead to a loss of protein function (PMID: 16199547), and loss-of-function variants in GFM1 are known to be pathogenic (PMID: 16632485, 17160893). This variant is present in population databases (rs748116978, gnomAD 0.0009%). This variant has not been reported in the literature in individuals affected with GFM1-related conditions. ClinVar contains an entry for this variant (Variation ID: 940515). Algorithms developed to predict the effect of sequence changes on RNA splicing suggest that this variant may disrupt the consensus splice site. In summary, the currently available evidence indicates that the variant is pathogenic, but additional data are needed to prove that conclusively. Therefore, this variant has been classified as Likely Pathogenic.

Literature cited by the submitters: PubMed 16199547; PubMed 16632485; PubMed 17160893.